The following is an entry in ClinVar:

NM_020297.4(ABCC9):c.2866+4G>C

Gene: ABCC9 (ATP binding cassette subfamily C member 9; minus strand). Cytogenetic location: 12p12.1.
Variant type: single nucleotide variant.
Coding change: c.2866+4G>C on transcript NM_020297.4 (MANE Select); 4 bases into the intron after coding-DNA position 2866, G replaced by C.
Molecular consequence: intron variant.
Genome position (GRCh38, 1-based): chr12:21,848,146, C>G on the plus strand (G>C on the coding strand, the complement: ABCC9 is on the minus strand). VCF-style: chr12-21848146-C-G. GRCh37 (hg19) VCF-style: chr12-22001080-C-G.
Other names: c.1999+4G>C (NM_001377274.1); c.2866+4G>C (NM_005691.4, NM_001377273.1).
Identifiers: ClinVar variation 4085820 (VCV004085820.8).

ClinVar aggregate classification (germline): Likely benign (1 of 4 stars; one submission).

gnomAD v4.1: 3 of 1,612,618 alleles (0.00019%); highest among the groups gnomAD compares: Non-Finnish European, 0.00025%; no homozygotes.

Submission:

CeGaT Center for Human Genetics Tuebingen
Classification: Likely benign. Last evaluated: 2025-08-01. Review status: criteria provided, single submitter. Criteria: CeGaT Center For Human Genetics Tuebingen Variant Classification Criteria Version 2. Collection method: clinical testing. Allele origin: germline. Affected: yes. Observed: 1 variant allele.
Comment: ABCC9: BP4